The following is an entry in ClinVar:

ClinVar aggregate classification (germline): other (0 of 4 stars; one submission).

Conditions:
Familial colorectal cancer. Identifiers: MedGen CN280943, MONDO:0023113. Disease mechanism: loss of function.

Submission:

Systems Biology Platform Zhejiang California International NanoSystems Institute
Classification: other for Familial colorectal cancer. Review status: no assertion criteria provided. Collection method: not provided. Allele origin: unknown.
ClinVar note: Converted during submission from cancer to other.

NM_000038.6(APC):c.-19+49A>G

Gene: APC (APC regulator of WNT signaling pathway; plus strand). Cytogenetic location: 5q22.2.
Variant type: single nucleotide variant.
Coding change: c.-19+49A>G on transcript NM_000038.6 (MANE Select); 49 bases into the intron after 19 bases upstream of the start codon, A replaced by G.
Molecular consequence: intron variant.
Genome position (GRCh38, 1-based): chr5:112,737,974, A>G. VCF-style: chr5-112737974-A-G. GRCh37 (hg19) VCF-style: chr5-112073671-A-G.
Other names: c.-18-16899A>G (NM_001354895.2); c.166-28352A>G (NM_001354897.2, NM_001354902.2, NM_001127511.3); c.-127+49A>G (NM_001127510.3); c.-49+49A>G (NM_001354898.2, NM_001354904.2); c.-1054+49A>G (NM_001354906.2); c.-19+49A>G (NM_001354896.2, NM_001354903.2, NM_001354899.2); c.-43+49A>G (NM_001354900.2, NM_001354901.2, NM_001354905.2).
Identifiers: ClinVar variation 82328 (VCV000082328.2), dbSNP rs76241113, ClinGen allele CA006522.